The following is an entry in ClinVar:

NM_022455.5(NSD1):c.1288C>T (p.Gln430Ter)

Gene: NSD1 (nuclear receptor binding SET domain protein 1; plus strand). Cytogenetic location: 5q35.3.
Variant type: single nucleotide variant.
Coding change: c.1288C>T on transcript NM_022455.5 (MANE Select); coding-DNA position 1288, C replaced by T.
Protein change: p.Gln430Ter; replaces glutamine 430 with a stop codon.
Molecular consequence: nonsense.
Genome position (GRCh38, 1-based): chr5:177,209,687, C>T. VCF-style: chr5-177209687-C-T. GRCh37 (hg19) VCF-style: chr5-176636688-C-T.
Other names: c.415C>T, p.Gln139Ter (NM_001365684.2, NM_001409306.1, NM_001409307.1 and 3 more transcripts); c.1288C>T, p.Gln430Ter (NM_001409301.1, NM_001409302.1, NM_001409303.1); c.868C>T, p.Gln290Ter (NM_001409304.1); c.535C>T, p.Gln179Ter (NM_001409305.1); short protein forms Q430*, Q161*, Q139*, Q179*, Q290*.
Identifiers: ClinVar variation 280938 (VCV000280938.2), dbSNP rs367809750, ClinGen allele CA10602915.
Genomic context (GRCh38, chr5:177,209,687, plus strand): 5'-AAATTTAAGGTTCCTCAGAAAATTTTGAGTAAATGGGAAGCCAGTGTTGGACTTGCAGAA[C>T]AGTATGATGTTCCCAAGGGGTCAAAGAACCGAAAATGTATTCCTGGTTCAATCAAGTTGG-3'

ClinVar aggregate classification (germline): Pathogenic (1 of 4 stars; one submission).

Submission:

GeneDx
Classification: Pathogenic. Last evaluated: 2016-10-11. Review status: criteria provided, single submitter. Criteria: GeneDx Variant Classification (06012015). Collection method: clinical testing. Allele origin: germline. Affected: yes.
Comment: The Q430X pathogenic variant in the NSD1 gene has not been reported previously as a pathogenic variant nor as a benign variant, to our knowledge. This variant is predicted to cause loss of normal protein function either through protein truncation or nonsense-mediated mRNA decay. The Q430X variant was not observed in approximately 6500 individuals of European and African American ancestry in the NHLBI Exome Sequencing Project, indicating it is not a common benign variant in these populations. We interpret Q430X as a pathogenic variant.